The following is an entry in ClinVar:

ClinVar aggregate classification (germline): Uncertain significance (1 of 4 stars; one submission).

Allele frequency attached by ClinVar (database versions not stated): TOPMed 0.00002; ExAC 0.00003; gnomAD 0.00004; ESP Exome Variant Server 0.00008.
gnomAD v4.1: 66 of 1,613,460 alleles (0.0041%); highest among the groups gnomAD compares: Non-Finnish European, 0.005%; no homozygotes.

Submission:

Labcorp Genetics (formerly Invitae), Labcorp
Classification: Uncertain significance. Last evaluated: 2023-09-05. Review status: criteria provided, single submitter. Criteria: Invitae Variant Classification Sherloc (09022015). Collection method: clinical testing. Allele origin: germline.
Comment: In summary, the available evidence is currently insufficient to determine the role of this variant in disease. Therefore, it has been classified as a Variant of Uncertain Significance. An algorithm developed to predict the effect of missense changes on protein structure and function (PolyPhen-2) suggests that this variant is likely to be disruptive. This variant has not been reported in the literature in individuals affected with WNT9B-related conditions. This variant is present in population databases (rs139617595, gnomAD 0.007%). This sequence change replaces arginine, which is basic and polar, with glutamine, which is neutral and polar, at codon 292 of the WNT9B protein (p.Arg292Gln).

NM_003396.3(WNT9B):c.875G>A (p.Arg292Gln)

Genes: LRRC37A2 (leucine rich repeat containing 37 member A2), WNT9B (Wnt family member 9B; plus strand). Cytogenetic location: 17q21.32.
Variant type: single nucleotide variant.
Coding change: c.875G>A on transcript NM_003396.3 (MANE Select); coding-DNA position 875, G replaced by A.
Protein change: p.Arg292Gln; replaces arginine 292 with glutamine.
Molecular consequence: missense variant.
Genome position (GRCh38, 1-based): chr17:46,876,519, G>A. VCF-style: chr17-46876519-G-A. GRCh37 (hg19) VCF-style: chr17-44953885-G-A.
Other names: c.875G>A, p.Arg292Gln (NM_001320458.2); short protein forms R292Q.
Identifiers: ClinVar variation 3019826 (VCV003019826.3), dbSNP rs139617595, ClinGen allele CA8621014.